The following is an entry in ClinVar:

NM_000059.4(BRCA2):c.7545A>G (p.Thr2515=)

Gene: BRCA2 (BRCA2 DNA repair associated; plus strand). Cytogenetic location: 13q13.1.
Variant type: single nucleotide variant.
Coding change: c.7545A>G on transcript NM_000059.4 (MANE Select); coding-DNA position 7545, A replaced by G.
Protein change: p.Thr2515=; no amino-acid change (threonine 2515 retained).
Molecular consequence: synonymous variant.
Genome position (GRCh38, 1-based): chr13:32,356,537, A>G. VCF-style: chr13-32356537-A-G. GRCh37 (hg19) VCF-style: chr13-32930674-A-G.
Identifiers: ClinVar variation 224470 (VCV000224470.8), dbSNP rs767555621, ClinGen allele CA6941106.

ClinVar aggregate classification (germline): Likely benign. Review status: reviewed by expert panel (3 of 4 stars). 4 submissions from 4 submitters: Likely benign (1). 3 of the submissions do not count toward it. Last evaluated 2017-06-29.

Conditions:
Hereditary cancer-predisposing syndrome. Also called: Tumor predisposition; Hereditary neoplastic syndrome; Neoplastic Syndromes, Hereditary; Hereditary Cancer Syndrome. Identifiers: Orphanet 140162, MedGen C0027672, MeSH D009386, MONDO:0015356.
Breast neoplasm. Also called: Neoplasm of breast; Breast tumor; Neoplasm of the breast; Breast Neoplasms. Identifiers: MedGen C1458155, MeSH D001943, MONDO:0021100, HP:0100013. Disease mechanism: gain of function.
Hereditary breast ovarian cancer syndrome. Also called: Hereditary breast and ovarian cancer; BRCA1- and BRCA2-Associated Hereditary Breast and Ovarian Cancer; Hereditary breast and/or ovarian cancer syndrome; Hereditary breast and ovarian cancer syndrome; Hereditary breast and ovarian cancer syndrome (HBOC); Breast and ovarian cancer. Identifiers: Orphanet 145, MedGen C0677776, MeSH D061325, MONDO:0003582. Disease mechanism: loss of function.
Breast-ovarian cancer, familial, susceptibility to, 2 (BROVCA2). Also called: BRCA2 Hereditary Breast and Ovarian Cancer. Identifiers: Orphanet 145, MedGen C2675520, MONDO:0012933, OMIM 612555. Disease mechanism: loss of function.

Allele frequency attached by ClinVar (database versions not stated): gnomAD exomes below 0.00001; ExAC 0.00001.
gnomAD v4.1: 1 of 1,614,250 alleles (0.000062%); highest among the groups gnomAD compares: East Asian, 0.0022%; no homozygotes.

Submissions (4):

Evidence-based Network for the Interpretation of Germline Mutant Alleles (ENIGMA)
Classification: Likely benign for Breast-ovarian cancer, familial, susceptibility to, 2. Last evaluated: 2017-06-29. Review status: reviewed by expert panel. Criteria: ENIGMA BRCA1/2 Classification Criteria (2017-06-29). Collection method: curation. Allele origin: germline.
Comment: Synonymous substitution variant, with low bioinformatic likelihood to result in a splicing aberration (Splicing prior probability 0.02).

Labcorp Genetics (formerly Invitae), Labcorp
Classification: Likely benign for Hereditary breast ovarian cancer syndrome. Last evaluated: 2023-11-01. Review status: criteria provided, single submitter. Criteria: Invitae Variant Classification Sherloc (09022015). Collection method: clinical testing. Allele origin: germline. Not counted in ClinVar's aggregate classification.

Ambry Genetics
Classification: Likely benign for Hereditary cancer-predisposing syndrome. Last evaluated: 2020-06-10. Review status: criteria provided, single submitter. Criteria: Ambry Variant Classification Scheme 2023. Collection method: clinical testing. Allele origin: germline. Not counted in ClinVar's aggregate classification.

Laboratory of Molecular Diagnosis of Cancer, West China Hospital, Sichuan University
Classification: Uncertain significance for Breast neoplasm. Last evaluated: 2015-11-01. Review status: criteria provided, single submitter. Criteria: ACMG Guidelines, 2015. Collection method: research. Allele origin: germline. Affected: yes. Observed: 1 variant allele. Not counted in ClinVar's aggregate classification.

Literature cited by the submitters: PubMed 27257965 (cited by Laboratory of Molecular Diagnosis of Cancer, West China Hospital, Sichuan University).